The following is an entry in ClinVar:

ClinVar aggregate classification (germline): Uncertain significance (1 of 4 stars; one submission).

Conditions:
Inborn genetic diseases. Identifiers: MedGen C0950123, MeSH D030342.

Submission:

Ambry Genetics
Classification: Uncertain significance for Inborn genetic diseases. Last evaluated: 2025-05-19. Review status: criteria provided, single submitter. Criteria: Ambry Variant Classification Scheme 2023. Collection method: clinical testing. Allele origin: germline.
Comment: The p.E684G variant (also known as c.2051A>G), located in coding exon 1 of the SAMD9L gene, results from an A to G substitution at nucleotide position 2051. The glutamic acid at codon 684 is replaced by glycine, an amino acid with similar properties. This amino acid position is conserved. In addition, this alteration is predicted to be tolerated by in silico analysis. Based on the available evidence, the clinical significance of this variant remains unclear.

NM_152703.5(SAMD9L):c.2051A>G (p.Glu684Gly)

Gene: SAMD9L (sterile alpha motif domain containing 9 like; minus strand). Cytogenetic location: 7q21.2.
Variant type: single nucleotide variant.
Coding change: c.2051A>G on transcript NM_152703.5 (MANE Select); coding-DNA position 2051, A replaced by G.
Protein change: p.Glu684Gly; replaces glutamic acid 684 with glycine.
Molecular consequence: missense variant.
Genome position (GRCh38, 1-based): chr7:93,133,921, T>C on the plus strand (A>G on the coding strand, the complement: SAMD9L is on the minus strand). VCF-style: chr7-93133921-T-C. GRCh37 (hg19) VCF-style: chr7-92763234-T-C.
Other names: c.2051A>G, p.Glu684Gly (NM_001303496.3, NM_001303497.3, NM_001303498.3 and 5 more transcripts); short protein forms E684G.
Identifiers: ClinVar variation 3949942 (VCV003949942.1).